The following is an entry in ClinVar:

ClinVar aggregate classification (germline): Pathogenic (1 of 4 stars; one submission).

Conditions:
Rhabdoid tumor predisposition syndrome 2 (RTPS2). Identifiers: Orphanet 231108, Orphanet 69077, MedGen C2750074, MONDO:0013224, OMIM 613325.

Submission:

Labcorp Genetics (formerly Invitae), Labcorp
Classification: Pathogenic for Rhabdoid tumor predisposition syndrome 2. Last evaluated: 2020-07-24. Review status: criteria provided, single submitter. Criteria: Invitae Variant Classification Sherloc (09022015). Collection method: clinical testing. Allele origin: germline.
Comment: This variant is a gross deletion of the genomic region encompassing exon(s) 2 to 31 of the SMARCA4 gene, which includes the initiator codon. The 5' end of this event is unknown as it extends beyond the assayed region for this gene and therefore may encompass additional genes. The 3' boundary is likely confined to intron 31 of the SMARCA4 gene. This is expected to result in an absent or disrupted protein product. This variant has not been reported in the literature in individuals with SMARCA4-related conditions. Loss-of-function variants in SMARCA4 are known to be pathogenic (PMID: 24658001, 24658002). For these reasons, this variant has been classified as Pathogenic.

Literature cited by the submitters: PubMed 24658001; PubMed 24658002.

NC_000019.9:g.(?_11094828)_(11152246_?)del

Gene: SMARCA4 (SWI/SNF related BAF chromatin remodeling complex subunit ATPase 4; plus strand). Cytogenetic location: 19p13.2.
Variant type: Deletion.
Identifiers: ClinVar variation 1072688 (VCV001072688.5).